The following is an entry in ClinVar:

NM_004646.4(NPHS1):c.2840del (p.Gly946_Leu947insTer)

Gene: NPHS1 (NPHS1 adhesion molecule, nephrin; minus strand). Cytogenetic location: 19q13.12.
Variant type: Deletion.
Coding change: c.2840del on transcript NM_004646.4 (MANE Select); coding-DNA position 2840, one base deleted (T; older notation c.2840delT).
Protein change: p.Gly946_Leu947insTer.
Molecular consequence: nonsense.
Genome position (GRCh38, 1-based): chr19:35,839,583, A deleted on the plus strand (T on the coding strand, the reverse complement: NPHS1 is on the minus strand); the first of 2 consecutive A bases (chr19:35,839,583-35,839,584); deleting either gives the same sequence. VCF-style (leftmost placement, unchanged base first): chr19-35839582-TA-T. GRCh37 (hg19) VCF-style: chr19-36330484-TA-T.
Identifiers: ClinVar variation 2004649 (VCV002004649.4), dbSNP rs2513766222, ClinGen allele CA2580096840.

ClinVar aggregate classification (germline): Pathogenic (1 of 4 stars; one submission).

Submission:

Labcorp Genetics (formerly Invitae), Labcorp
Classification: Pathogenic. Last evaluated: 2022-06-14. Review status: criteria provided, single submitter. Criteria: Invitae Variant Classification Sherloc (09022015). Collection method: clinical testing. Allele origin: germline.
Comment: For these reasons, this variant has been classified as Pathogenic. This variant has not been reported in the literature in individuals affected with NPHS1-related conditions. This variant is not present in population databases (gnomAD no frequency). This sequence change creates a premature translational stop signal (p.Leu947*) in the NPHS1 gene. It is expected to result in an absent or disrupted protein product. Loss-of-function variants in NPHS1 are known to be pathogenic (PMID: 11317351, 11854170, 12039988).

Literature cited by the submitters: PubMed 11317351; PubMed 11854170; PubMed 12039988.